The following is an entry in ClinVar:

NM_001003694.2(BRPF1):c.2526G>T (p.Arg842=)

Gene: BRPF1 (bromodomain and PHD finger containing 1; plus strand). Cytogenetic location: 3p25.3.
Variant type: single nucleotide variant.
Coding change: c.2526G>T on transcript NM_001003694.2 (MANE Select); coding-DNA position 2526, G replaced by T.
Protein change: p.Arg842=; no amino-acid change (arginine 842 retained).
Molecular consequence: synonymous variant. On other transcripts: non-coding transcript variant (1).
Genome position (GRCh38, 1-based): chr3:9,743,792, G>T. VCF-style: chr3-9743792-G-T. GRCh37 (hg19) VCF-style: chr3-9785476-G-T.
Other names: c.2508G>T, p.Arg836= (NM_001319049.2, NM_004634.3); c.2505G>T, p.Arg835= (NM_001319050.2); c.2523G>T, p.Arg841= (NM_001410704.1).
Identifiers: ClinVar variation 2653493 (VCV002653493.24), dbSNP rs1440713155, ClinGen allele CA432381075.
Genomic context (GRCh38, chr3:9,743,792, plus strand): 5'-GACGGCACTGCGGCGGAAGCTTGCCCATCAGCGAGAGACGGGACGTGATGGCCCTGAGCG[G>T]CATGGCCCCTCGAGCCGGGGTAGTCTGACACCCCACCCGGCAGCCTGTGACAAGGATGGG-3'
Protein context (NP_001003694.1, residues 832-852): QRETGRDGPE[Arg842=]HGPSSRGSLT

ClinVar aggregate classification (germline): Likely benign (1 of 4 stars; one submission).

gnomAD v4.1: 1 of 1,613,486 alleles (0.000062%); highest among the groups gnomAD compares: South Asian, 0.0011%; no homozygotes.

Submission:

CeGaT Center for Human Genetics Tuebingen
Classification: Likely benign. Last evaluated: 2023-05-01. Review status: criteria provided, single submitter. Criteria: CeGaT Center For Human Genetics Tuebingen Variant Classification Criteria Version 2. Collection method: clinical testing. Allele origin: germline. Affected: yes. Observed: 1 variant allele.
Comment: BRPF1: BP4, BP7